The following is an entry in ClinVar:

NM_000047.3(ARSL):c.23+584C>T

Gene: ARSL (arylsulfatase L; minus strand). Cytogenetic location: Xp22.33.
Variant type: single nucleotide variant.
Coding change: c.23+584C>T on transcript NM_000047.3 (MANE Select); 584 bases into the intron after coding-DNA position 23, C replaced by T.
Molecular consequence: intron variant. On other transcripts: 5 prime UTR variant (2).
Genome position (GRCh38, 1-based): chrX:2,959,794, G>A on the plus strand (C>T on the coding strand, the complement: ARSL is on the minus strand). VCF-style: chrX-2959794-G-A. GRCh37 (hg19) VCF-style: chrX-2877835-G-A.
Other names: c.-94C>T (NM_001282628.2, NM_001369080.1); c.23+584C>T (NM_001282631.2); c.50+584C>T (NM_001369079.1).
Identifiers: ClinVar variation 674716 (VCV000674716.2), dbSNP rs211636, ClinGen allele CA15022901.

ClinVar aggregate classification (germline): Benign. Review status: criteria provided, multiple submitters, no conflicts (2 of 4 stars). 2 submissions from 2 submitters: Benign (2). Last evaluated 2018-06-14.

Allele frequency attached by ClinVar (database versions not stated): 1000 Genomes Project 30x 0.26285; 1000 Genomes Project 0.27258; TOPMed 0.30314; gnomAD 0.32281 and 0.32742; gnomAD exomes 0.45569.
gnomAD v4.1: 454,803 of 1,031,270 alleles (44%); highest among the groups gnomAD compares: South Asian, 53%; 73,167 homozygotes.

Submissions (2):

GeneDx
Classification: Benign. Last evaluated: 2018-06-14. Review status: criteria provided, single submitter. Criteria: GeneDx Variant Classification (06012015). Collection method: clinical testing. Allele origin: germline. Affected: yes.
Comment: This variant is considered likely benign or benign based on one or more of the following criteria: it is a conservative change, it occurs at a poorly conserved position in the protein, it is predicted to be benign by multiple in silico algorithms, and/or has population frequency not consistent with disease.

Breakthrough Genomics
Classification: Benign. Review status: criteria provided, single submitter. Criteria: ACMG Guidelines, 2015. Collection method: not provided. Allele origin: germline. Inheritance: X-linked inheritance. Affected: yes.